The following is an entry in ClinVar:

NM_001220.5(CAMK2B):c.330G>C (p.Glu110Asp)

Gene: CAMK2B (calcium/calmodulin dependent protein kinase II beta; minus strand). Cytogenetic location: 7p13.
Variant type: single nucleotide variant.
Coding change: c.330G>C on transcript NM_001220.5 (MANE Select); coding-DNA position 330, G replaced by C.
Protein change: p.Glu110Asp; replaces glutamic acid 110 with aspartic acid.
Molecular consequence: missense variant.
Genome position (GRCh38, 1-based): chr7:44,254,553, C>G on the plus strand (G>C on the coding strand, the complement: CAMK2B is on the minus strand). VCF-style: chr7-44254553-C-G. GRCh37 (hg19) VCF-style: chr7-44294152-C-G.
Other names: c.330G>C, p.Glu110Asp (NM_001293170.2, NM_172078.3, NM_172079.3 and 5 more transcripts); short protein forms E110D.
Identifiers: ClinVar variation 4853989 (VCV004853989.1).

ClinVar aggregate classification (germline): Uncertain significance (1 of 4 stars; one submission).

Conditions:
Intellectual developmental disorder, autosomal dominant 54. Also called: MENTAL RETARDATION, AUTOSOMAL DOMINANT 54; Intellectual disability, autosomal dominant 54. Identifiers: MedGen C4540484, MONDO:0030920, OMIM 617799.

Submission:

3billion
Classification: Uncertain significance for Intellectual developmental disorder, autosomal dominant 54. Last evaluated: 2025-10-16. Review status: criteria provided, single submitter. Criteria: ACMG Guidelines, 2015. Collection method: clinical testing. Allele origin: germline. Affected: yes.
Comment: The variant is not observed in the gnomAD v4.1.0 dataset. Predicted Consequence/Location: Missense variant In silico tool prediction suggests damaging effect of the variant on gene or gene product [3Cnet: 0.85 (> 0.75, sensitivity 0.96 and precision 0.92)]. A different missense change at the same codon (p.Glu110Lys) has been reported as pathogenic/likely pathogenic with strong evidence (ClinVar ID: VCV000430921 /PMID: 29100089 /3billion dataset). Therefore, this variant is classified as VUS according to the recommendation of ACMG/AMP guideline.

Literature cited by the submitters: PubMed 29100089.